The following is an entry in ClinVar:

NM_032520.5(GNPTG):c.376G>A (p.Gly126Ser)

Gene: GNPTG (N-acetylglucosamine-1-phosphate transferase subunit gamma; plus strand). Cytogenetic location: 16p13.3.
Variant type: single nucleotide variant.
Coding change: c.376G>A on transcript NM_032520.5 (MANE Select); coding-DNA position 376, G replaced by A.
Protein change: p.Gly126Ser; replaces glycine 126 with serine.
Molecular consequence: missense variant.
Genome position (GRCh38, 1-based): chr16:1,362,096, G>A. VCF-style: chr16-1362096-G-A. GRCh37 (hg19) VCF-style: chr16-1412097-G-A.
Other names: short protein forms G126S.
Identifiers: ClinVar variation 841432 (VCV000841432.8), dbSNP rs775359476, ClinGen allele CA7807656.

ClinVar aggregate classification (germline): Conflicting classifications of pathogenicity. Review status: criteria provided, conflicting classifications (1 of 4 stars). 2 submissions from 2 submitters: Likely pathogenic (1); Uncertain significance (1). Last evaluated 2025-11-24.

Conditions:
GNPTG-mucolipidosis. Also called: ML III GAMMA; ML IIIC; MUCOLIPIDOSIS III, COMPLEMENTATION GROUP C; MUCOLIPIDOSIS III, IRANIAN VARIANT FORM; MUCOLIPIDOSIS III, VARIANT FORM; Mucolipidosis type III gamma. Identifiers: Orphanet 423470, Orphanet 577, MedGen C1854896, MONDO:0009652, OMIM 252605.

Allele frequency attached by ClinVar (database versions not stated): gnomAD 0.00001; gnomAD exomes 0.00001; ExAC 0.00002.

Submissions (2):

Natera, Inc.
Classification: Likely pathogenic for Mucolipidosis III gamma. Last evaluated: 2025-11-24. Review status: criteria provided, single submitter. Criteria: Natera Variant Classification Schema (03/2026). Collection method: clinical testing. Allele origin: germline.
Comment: The c.376G>A variant in GNPTG is a missense variant predicted to cause substitution of glycine to serine at amino acid 126. This variant is rare in the general population with a frequency below the threshold expected for the associated phenotype(s). This variant has been observed in one or more individuals affected with the associated recessive disease, as either homozygous or compound heterozygous with a second variant (PMID: 26108976). Functional studies show that this variant may disrupt protein function (PMID: 27038293). Computational prediction algorithms indicate this variant is likely to affect gene or protein function. Given the available evidence, this variant is classified as Likely Pathogenic.

Labcorp Genetics (formerly Invitae), Labcorp
Classification: Uncertain significance. Last evaluated: 2021-08-24. Review status: criteria provided, single submitter. Criteria: Invitae Variant Classification Sherloc (09022015). Collection method: clinical testing. Allele origin: germline.
Comment: This sequence change replaces glycine with serine at codon 126 of the GNPTG protein (p.Gly126Ser). The glycine residue is highly conserved and there is a small physicochemical difference between glycine and serine. This variant is present in population databases (rs775359476, ExAC 0.01%). This missense change has been observed in individual(s) with mucolipidosis III (PMID: 26108976). In at least one individual the data is consistent with the variant being in trans (on the opposite chromosome) from a pathogenic variant. Algorithms developed to predict the effect of missense changes on protein structure and function are either unavailable or do not agree on the potential impact of this missense change (SIFT: "Tolerated"; PolyPhen-2: "Probably Damaging"; Align-GVGD: "Class C0"). Experimental studies have shown that this missense change affects GNPTG function (PMID: 26108976, 27038293). This variant disrupts the p.Gly126 amino acid residue in GNPTG. Other variant(s) that disrupt this residue have been observed in individuals with GNPTG-related conditions (PMID: 29872134), which suggests that this may be a clinically significant amino acid residue. In summary, the available evidence is currently insufficient to determine the role of this variant in disease. Therefore, it has been classified as a Variant of Uncertain Significance.

Literature cited by the submitters: PubMed 26108976 (cited by Natera, Inc. and Labcorp Genetics (formerly Invitae), Labcorp); PubMed 27038293 (cited by Natera, Inc. and Labcorp Genetics (formerly Invitae), Labcorp); PubMed 29872134 (cited by Labcorp Genetics (formerly Invitae), Labcorp).